The following is an entry in ClinVar:

ClinVar aggregate classification (germline): Uncertain significance (1 of 4 stars; one submission).

Conditions:
Early Myoclonic Encephalopathy. Identifiers: MedGen C0270855.

Allele frequency attached by ClinVar (database versions not stated): gnomAD exomes below 0.00001.
gnomAD v4.1: 2 of 1,613,892 alleles (0.00012%); highest among the groups gnomAD compares: Non-Finnish European, 0.00017%; no homozygotes.

Submission:

Labcorp Genetics (formerly Invitae), Labcorp
Classification: Uncertain significance for Early Myoclonic Encephalopathy. Last evaluated: 2021-08-02. Review status: criteria provided, single submitter. Criteria: Invitae Variant Classification Sherloc (09022015). Collection method: clinical testing. Allele origin: germline.
Comment: In summary, the available evidence is currently insufficient to determine the role of this variant in disease. Therefore, it has been classified as a Variant of Uncertain Significance. Advanced modeling of protein sequence and biophysical properties (such as structural, functional, and spatial information, amino acid conservation, physicochemical variation, residue mobility, and thermodynamic stability) performed at Invitae indicates that this missense variant is not expected to disrupt KCND2 protein function. This variant has not been reported in the literature in individuals affected with KCND2-related conditions. This variant is not present in population databases (ExAC no frequency). This sequence change replaces arginine with histidine at codon 93 of the KCND2 protein (p.Arg93His). The arginine residue is highly conserved and there is a small physicochemical difference between arginine and histidine.

NM_012281.3(KCND2):c.278G>A (p.Arg93His)

Gene: KCND2 (potassium voltage-gated channel subfamily D member 2; plus strand). Cytogenetic location: 7q31.31.
Variant type: single nucleotide variant.
Coding change: c.278G>A on transcript NM_012281.3 (MANE Select); coding-DNA position 278, G replaced by A.
Protein change: p.Arg93His; replaces arginine 93 with histidine.
Molecular consequence: missense variant.
Genome position (GRCh38, 1-based): chr7:120,274,910, G>A. VCF-style: chr7-120274910-G-A. GRCh37 (hg19) VCF-style: chr7-119914964-G-A.
Other names: short protein forms R93H.
Identifiers: ClinVar variation 1439229 (VCV001439229.6), dbSNP rs867482829, ClinGen allele CA165779043.